The following is an entry in ClinVar:

NM_201525.4(ADGRG1):c.928G>A (p.Glu310Lys)

Gene: ADGRG1 (adhesion G protein-coupled receptor G1; plus strand). Cytogenetic location: 16q21.
Variant type: single nucleotide variant.
Coding change: c.928G>A on transcript NM_201525.4 (MANE Select); coding-DNA position 928, G replaced by A.
Protein change: p.Glu310Lys; replaces glutamic acid 310 with lysine.
Molecular consequence: missense variant.
Genome position (GRCh38, 1-based): chr16:57,655,903, G>A. VCF-style: chr16-57655903-G-A. GRCh37 (hg19) VCF-style: chr16-57689815-G-A.
Other names: c.928G>A, p.Glu310Lys (NM_001370430.1, NM_001370431.1, NM_001370432.1 and 16 more transcripts); c.943G>A, p.Glu315Lys (NM_001370433.1, NM_001145773.3); c.928G>A (NM_005682.6); c.418G>A, p.Glu140Lys (NM_001290142.2); c.403G>A, p.Glu135Lys (NM_001290143.2, NM_001290144.2, NM_001370451.1 and 2 more transcripts); c.772G>A, p.Glu258Lys (NM_001370442.1); short protein forms E258K, E135K, E315K, E310K, E140K.
Identifiers: ClinVar variation 2200371 (VCV002200371.3), dbSNP rs1000948959, ClinGen allele CA281578114.
Genomic context (GRCh38, chr16:57,655,903, plus strand): 5'-CCCTACTCTCTTCCTCCAACCCCATGTATCTAGGACAAGAATTCCAGCCAAGTCCTGGGT[G>A]AGAAGGTCTTGGGGATTGTGGTACAGAACACCAAAGTAGCCAACCTCACGGAGCCCGTGG-3'
Protein context (NP_958933.1, residues 300-320): QDKNSSQVLG[Glu310Lys]KVLGIVVQNT

ClinVar aggregate classification (germline): Uncertain significance. Review status: criteria provided, multiple submitters, no conflicts (2 of 4 stars). 3 submissions from 3 submitters: Uncertain significance (2). 1 of the submissions does not count toward it. Last evaluated 2026-06-26.

Conditions:
Bilateral frontoparietal polymicrogyria. Also called: CEREBELLAR ATAXIA WITH NEURONAL MIGRATION DEFECT; CORTICAL DYSPLASIA, COMPLEX, WITH OTHER BRAIN MALFORMATIONS 14A (BILATERAL FRONTOPARIETAL). Identifiers: Orphanet 101070, MedGen C1847352, MONDO:0011738, OMIM 606854.

Allele frequency attached by ClinVar (database versions not stated): gnomAD 0.00001; TOPMed 0.00001.

Submissions (3):

Women's Health and Genetics/Laboratory Corporation of America, LabCorp
Classification: Uncertain significance. Last evaluated: 2026-06-26. Review status: criteria provided, single submitter. Criteria: LabCorp Variant Classification Summary - May 2015. Collection method: clinical testing. Allele origin: germline.
Comment: Variant summary: ADGRG1 c.928G>A (p.Glu310Lys) results in a conservative amino acid change in the encoded protein sequence. Algorithms developed to predict the effect of missense changes on protein structure and function are either unavailable or do not agree on the potential impact of this missense change. The variant allele was found at a frequency of 4e-06 in 251494 control chromosomes. The available data on variant occurrences in the general population are insufficient to allow any conclusion about variant significance. To our knowledge, no occurrence of c.928G>A in individuals affected with ADGRG1-related conditions and no experimental evidence demonstrating its impact on protein function have been reported. ClinVar contains an entry for this variant (Variation ID: 2200371). Based on the evidence outlined above, the variant was classified as uncertain significance.

Labcorp Genetics (formerly Invitae), Labcorp
Classification: Uncertain significance. Last evaluated: 2022-09-07. Review status: criteria provided, single submitter. Criteria: Invitae Variant Classification Sherloc (09022015). Collection method: clinical testing. Allele origin: germline.
Comment: This sequence change replaces glutamic acid, which is acidic and polar, with lysine, which is basic and polar, at codon 310 of the ADGRG1 protein (p.Glu310Lys). This variant is present in population databases (no rsID available, gnomAD no frequency). This variant has not been reported in the literature in individuals affected with ADGRG1-related conditions. Advanced modeling of protein sequence and biophysical properties (such as structural, functional, and spatial information, amino acid conservation, physicochemical variation, residue mobility, and thermodynamic stability) performed at Invitae indicates that this missense variant is not expected to disrupt ADGRG1 protein function. In summary, the available evidence is currently insufficient to determine the role of this variant in disease. Therefore, it has been classified as a Variant of Uncertain Significance.

Natera, Inc.
Classification: Uncertain significance for Bilateral frontoparietal polymicrogyria. Last evaluated: 2025-01-07. Review status: no assertion criteria provided. Collection method: clinical testing. Allele origin: germline. Not counted in ClinVar's aggregate classification.